The following is an entry in ClinVar:

NM_001042492.3(NF1):c.6171A>T (p.Ile2057=)

Gene: NF1 (neurofibromin 1; plus strand). Cytogenetic location: 17q11.2.
Variant type: single nucleotide variant.
Coding change: c.6171A>T on transcript NM_001042492.3 (MANE Select); coding-DNA position 6171, A replaced by T.
Protein change: p.Ile2057=; no amino-acid change (isoleucine 2057 retained).
Molecular consequence: synonymous variant.
Genome position (GRCh38, 1-based): chr17:31,336,658, A>T. VCF-style: chr17-31336658-A-T. GRCh37 (hg19) VCF-style: chr17-29663676-A-T.
Other names: c.6108A>T, p.Ile2036= (NM_000267.4).
Identifiers: ClinVar variation 186545 (VCV000186545.47), dbSNP rs140733963, ClinGen allele CA195130.
Genomic context (GRCh38, chr17:31,336,658, plus strand): 5'-TTTTTTTTTTAAAAAAAAAAATCCTGCTTCTTTACAGGTTATTGGAAGGATGTGCAAAAT[A>T]ATTGACAAGACATGCTTATCTCCAACTCCTACTTTAGAACAACATCTTATGTGGGATGAT-3'
Protein context (NP_001035957.1, residues 2047-2067): SSKVIGRMCK[Ile2057=]IDKTCLSPTP

ClinVar aggregate classification (germline): Benign/Likely benign. Review status: criteria provided, multiple submitters, no conflicts (2 of 4 stars). 14 submissions from 11 submitters: Benign (3); Likely benign (11). Last evaluated 2026-05-21.

Conditions:
Hereditary cancer-predisposing syndrome. Also called: Tumor predisposition; Neoplastic Syndromes, Hereditary; Hereditary Cancer Syndrome; Hereditary neoplastic syndrome. Identifiers: Orphanet 140162, MedGen C0027672, MeSH D009386, MONDO:0015356.
Neurofibromatosis, familial spinal (FSNF). Identifiers: Orphanet 636, MedGen C1834235, MONDO:0008078, OMIM 162210. Disease mechanism: loss of function.
Café-au-lait macules with pulmonary stenosis (WTSN). Also called: PULMONIC STENOSIS WITH CAFE-AU-LAIT SPOTS. Identifiers: MedGen C0553586, MONDO:0008672, OMIM 193520.
Neurofibromatosis-Noonan syndrome (NFNS). Also called: NEUROFIBROMATOSIS WITH NOONAN PHENOTYPE. Identifiers: Orphanet 638, MedGen C2931482, MONDO:0011035, OMIM 601321. Disease mechanism: loss of function.
Neurofibromatosis, type 1 (NF1). Also called: Peripheral type neurofibromatosis; Neurofibromatosis, type I; NEUROFIBROMATOSIS, TYPE I, SOMATIC; VON RECKLINGHAUSEN DISEASE. Identifiers: Orphanet 636, MedGen C0027831, MONDO:0018975, OMIM 162200. Disease mechanism: loss of function.

Allele frequency attached by ClinVar (database versions not stated): gnomAD exomes 0.00001 and 0.00002; ExAC 0.00003; gnomAD 0.00008 and 0.00009; TOPMed 0.00013; ESP Exome Variant Server 0.00023.
gnomAD v4.1: 31 of 1,613,098 alleles (0.0019%); highest among the groups gnomAD compares: African/African-American, 0.033%; no homozygotes.

Submissions (14):

Myriad Genetics, Inc.
Classification: Benign for Neurofibromatosis, type 1. Last evaluated: 2026-05-21. Review status: criteria provided, single submitter. Criteria: Myriad Autosomal Dominant, Autosomal Recessive and X-Linked Classification Criteria (2023). Collection method: clinical testing. Allele origin: unknown.
Comment: This variant is considered benign. This variant is a silent/synonymous amino acid change and it is not expected to impact splicing.

Labcorp Genetics (formerly Invitae), Labcorp
Classification: Likely benign for Neurofibromatosis, type 1. Last evaluated: 2026-02-03. Review status: criteria provided, single submitter. Criteria: Invitae Variant Classification Sherloc (09022015). Collection method: clinical testing. Allele origin: germline.

CeGaT Center for Human Genetics Tuebingen
Classification: Likely benign. Last evaluated: 2025-10-01. Review status: criteria provided, single submitter. Criteria: CeGaT Center For Human Genetics Tuebingen Variant Classification Criteria Version 2. Collection method: clinical testing. Allele origin: germline. Affected: yes. Observed: 4 variant alleles.
Comment: NF1: BP4, BP7

Women's Health and Genetics/Laboratory Corporation of America, LabCorp
Classification: Likely benign. Last evaluated: 2023-03-30. Review status: criteria provided, single submitter. Criteria: LabCorp Variant Classification Summary - May 2015. Collection method: clinical testing. Allele origin: germline.

Genome-Nilou Lab
Classification: Benign for Neurofibromatosis, type 1. Last evaluated: 2022-03-15. Review status: criteria provided, single submitter. Criteria: ACMG Guidelines, 2015. Collection method: clinical testing. Allele origin: germline. Affected: no.

Sema4
Classification: Likely benign for Hereditary cancer-predisposing syndrome. Last evaluated: 2021-07-21. Review status: criteria provided, single submitter. Criteria: Sema4 Curation Guidelines. Collection method: curation. Allele origin: germline.

GeneDx
Classification: Likely benign. Last evaluated: 2018-04-04. Review status: criteria provided, single submitter. Criteria: GeneDx Variant Classification (06012015). Collection method: clinical testing. Allele origin: germline. Affected: yes.
Comment: This variant is considered likely benign or benign based on one or more of the following criteria: it is a conservative change, it occurs at a poorly conserved position in the protein, it is predicted to be benign by multiple in silico algorithms, and/or has population frequency not consistent with disease.

PreventionGenetics, part of Exact Sciences
Classification: Likely benign. Last evaluated: 2018-01-17. Review status: criteria provided, single submitter. Criteria: ACMG Guidelines, 2015. Collection method: clinical testing. Allele origin: germline.

Illumina Laboratory Services, Illumina
Classification: Likely benign for Neurofibromatosis, familial spinal. Last evaluated: 2018-01-12. Review status: criteria provided, single submitter. Criteria: ICSL Variant Classification Criteria 13 December 2019. Collection method: clinical testing. Allele origin: germline.
Comment: This variant was observed in the ICSL laboratory as part of a predisposition screen in an ostensibly healthy population. It had not been previously curated by ICSL or reported in the Human Gene Mutation Database (HGMD: prior to June 1st, 2018), and was therefore a candidate for classification through an automated scoring system. Utilizing variant allele frequency, disease prevalence and penetrance estimates, and inheritance mode, an automated score was calculated to assess if this variant is too frequent to cause the disease. Based on the score and internal cut-off values, a variant classified as likely benign is not then subjected to further curation. The score for this variant resulted in a classification of likely benign for this disease.

Illumina Laboratory Services, Illumina
Classification: Likely benign for Café-au-lait macules with pulmonary stenosis. Last evaluated: 2018-01-12. Review status: criteria provided, single submitter. Criteria: ICSL Variant Classification Criteria 13 December 2019. Collection method: clinical testing. Allele origin: germline.
Comment: the same text as in the submission from Illumina Laboratory Services, Illumina above.

Illumina Laboratory Services, Illumina
Classification: Likely benign for Neurofibromatosis, type 1. Last evaluated: 2018-01-12. Review status: criteria provided, single submitter. Criteria: ICSL Variant Classification Criteria 13 December 2019. Collection method: clinical testing. Allele origin: germline.
Comment: the same text as in the submission from Illumina Laboratory Services, Illumina above.

Illumina Laboratory Services, Illumina
Classification: Benign for Neurofibromatosis-Noonan syndrome. Last evaluated: 2018-01-12. Review status: criteria provided, single submitter. Criteria: ICSL Variant Classification Criteria 13 December 2019. Collection method: clinical testing. Allele origin: germline.
Comment: This variant was observed in the ICSL laboratory as part of a predisposition screen in an ostensibly healthy population. It had not been previously curated by ICSL or reported in the Human Gene Mutation Database (HGMD: prior to June 1st, 2018), and was therefore a candidate for classification through an automated scoring system. Utilizing variant allele frequency, disease prevalence and penetrance estimates, and inheritance mode, an automated score was calculated to assess if this variant is too frequent to cause the disease. Based on the score and internal cut-off values, a variant classified as benign is not then subjected to further curation. The score for this variant resulted in a classification of benign for this disease.

Laboratory for Molecular Medicine, Mass General Brigham Personalized Medicine
Classification: Likely benign. Last evaluated: 2017-06-06. Review status: criteria provided, single submitter. Criteria: LMM Criteria. Collection method: clinical testing. Allele origin: germline. Observed: 1 variant allele.
Comment: p.Ile2057Ile in exon 42 of NF1: This variant is not expected to have clinical si gnificance because it does not alter an amino acid residue and is not located wi thin the splice consensus sequence. It has been identified in 8/23934 of Africa n chromosomes by the Genome Aggregation Database (gnomAD; dbSNP rs140733963).

Ambry Genetics
Classification: Likely benign for Hereditary cancer-predisposing syndrome. Last evaluated: 2014-10-17. Review status: criteria provided, single submitter. Criteria: Ambry Autosomal Dominant and X-Linked criteria (10/2015). Collection method: clinical testing. Allele origin: germline. Observed: 1 variant allele.

Literature cited by the submitters: PubMed 10678181 (cited by Women's Health and Genetics/Laboratory Corporation of America, LabCorp); PubMed 23460398 (cited by Women's Health and Genetics/Laboratory Corporation of America, LabCorp); PubMed 29872168 (cited by Women's Health and Genetics/Laboratory Corporation of America, LabCorp).